The following is an entry in ClinVar:

ClinVar aggregate classification (germline): Uncertain significance. Review status: criteria provided, multiple submitters, no conflicts (2 of 4 stars). 2 submissions from 2 submitters: Uncertain significance (2). Last evaluated 2025-01-02.

Conditions:
Hyperkalemic periodic paralysis. Also called: Familial hyperkalemic periodic paralysis; Gamstorp disease. Identifiers: Orphanet 682, MedGen C0238357, MONDO:0008224, OMIM 170500, HP:0007215.
Paramyotonia congenita of Von Eulenburg. Also called: PARALYSIS PERIODICA PARAMYOTONICA; Paramyotonia Congenita; Eulenburg disease; Myotonia congenita intermittens; Von Eulenburg paramyotonia congenita. Identifiers: Orphanet 684, MedGen C0221055, MONDO:0008195, OMIM 168300. Disease mechanism: loss of function.
Hypokalemic periodic paralysis, type 1. Also called: HypoPP; Hypokalemic Periodic Paralysis Type 1 (AD). Identifiers: Orphanet 681, MedGen C3714580, MONDO:0042979, OMIM 170400.
Hypokalemic periodic paralysis, type 2 (HOKPP2). Identifiers: Orphanet 681, MedGen C2750061, MONDO:0013234, OMIM 613345.
Potassium-aggravated myotonia. Also called: MYOTONIA CONGENITA, ACETAZOLAMIDE-RESPONSIVE; MYOTONIA CONGENITA, ATYPICAL; SODIUM CHANNEL MUSCLE DISEASE; Myotonia congenita, atypical, acetazolamide-responsive. Identifiers: Orphanet 612, Orphanet 99734, Orphanet 99735, Orphanet 99736, MedGen C2931826, MONDO:0018959, OMIM 608390.
Congenital myasthenic syndrome 16. Identifiers: Orphanet 590, MedGen C3280112, MONDO:0013620, OMIM 614198.

Allele frequency attached by ClinVar (database versions not stated): ExAC 0.00003; gnomAD exomes 0.00006 and 0.00003; gnomAD 0.00001; TOPMed 0.00017.
gnomAD v4.1: 17 of 1,578,866 alleles (0.0011%); highest among the groups gnomAD compares: Admixed American, 0.031%; no homozygotes.

Submissions (2):

Labcorp Genetics (formerly Invitae), Labcorp
Classification: Uncertain significance for Hyperkalemic periodic paralysis. Last evaluated: 2025-01-02. Review status: criteria provided, single submitter. Criteria: Invitae Variant Classification Sherloc (09022015). Collection method: clinical testing. Allele origin: germline.
Comment: This sequence change replaces lysine, which is basic and polar, with arginine, which is basic and polar, at codon 1832 of the SCN4A protein (p.Lys1832Arg). This variant is present in population databases (rs778802285, gnomAD 0.04%). This variant has not been reported in the literature in individuals affected with SCN4A-related conditions. ClinVar contains an entry for this variant (Variation ID: 1518513). Invitae Evidence Modeling of protein sequence and biophysical properties (such as structural, functional, and spatial information, amino acid conservation, physicochemical variation, residue mobility, and thermodynamic stability) has been performed for this missense variant. However, the output from this modeling did not meet the statistical confidence thresholds required to predict the impact of this variant on SCN4A protein function. In summary, the available evidence is currently insufficient to determine the role of this variant in disease. Therefore, it has been classified as a Variant of Uncertain Significance.

Fulgent Genetics
Classification: Uncertain significance for Paramyotonia congenita of Von Eulenburg; Hypokalemic periodic paralysis, type 1; Hyperkalemic periodic paralysis; Potassium-aggravated myotonia; Hypokalemic periodic paralysis, type 2; Congenital myasthenic syndrome 16. Last evaluated: 2021-09-03. Review status: criteria provided, single submitter. Criteria: ACMG Guidelines, 2015. Collection method: clinical testing. Allele origin: unknown.

NM_000334.4(SCN4A):c.5495A>G (p.Lys1832Arg)

Genes: GH-LCR (growth hormone locus control region; plus strand), SCN4A (sodium voltage-gated channel alpha subunit 4; minus strand). Cytogenetic location: 17q23.3.
Variant type: single nucleotide variant.
Coding change: c.5495A>G on transcript NM_000334.4 (MANE Select); coding-DNA position 5495, A replaced by G.
Protein change: p.Lys1832Arg; replaces lysine 1832 with arginine.
Molecular consequence: missense variant.
Genome position (GRCh38, 1-based): chr17:63,940,787, T>C on the plus strand (A>G on the coding strand, the complement: SCN4A is on the minus strand). VCF-style: chr17-63940787-T-C. GRCh37 (hg19) VCF-style: chr17-62018147-T-C.
Other names: short protein forms K1832R.
Identifiers: ClinVar variation 1518513 (VCV001518513.9), dbSNP rs778802285, ClinGen allele CA8708737.